The following is an entry in ClinVar:

ClinVar aggregate classification (germline): Uncertain significance (1 of 4 stars; one submission).

Conditions:
Beckwith-Wiedemann syndrome (BWS). Also called: EMG SYNDROME; Exomphalos macroglossia gigantism syndrome. Identifiers: Orphanet 116, MedGen C0004903, MONDO:0007534, OMIM 130650.

Submission:

Labcorp Genetics (formerly Invitae), Labcorp
Classification: Uncertain significance for Beckwith-Wiedemann syndrome. Last evaluated: 2021-12-11. Review status: criteria provided, single submitter. Criteria: Invitae Variant Classification Sherloc (09022015). Collection method: clinical testing. Allele origin: germline.
Comment: This sequence change replaces glycine, which is neutral and non-polar, with glutamic acid, which is acidic and polar, at codon 19 of the CDKN1C protein (p.Gly19Glu). This variant is not present in population databases (gnomAD no frequency). This variant has not been reported in the literature in individuals affected with CDKN1C-related conditions. Algorithms developed to predict the effect of missense changes on protein structure and function (SIFT, PolyPhen-2, Align-GVGD) all suggest that this variant is likely to be tolerated. In summary, the available evidence is currently insufficient to determine the role of this variant in disease. Therefore, it has been classified as a Variant of Uncertain Significance.

NM_001122630.2(CDKN1C):c.23G>A (p.Gly8Glu)

Gene: CDKN1C (cyclin dependent kinase inhibitor 1C; minus strand). Cytogenetic location: 11p15.4.
Variant type: single nucleotide variant.
Coding change: c.23G>A on transcript NM_001122630.2 (MANE Select); coding-DNA position 23, G replaced by A.
Protein change: p.Gly8Glu; replaces glycine 8 with glutamic acid.
Molecular consequence: missense variant.
Genome position (GRCh38, 1-based): chr11:2,885,434, C>T on the plus strand (G>A on the coding strand, the complement: CDKN1C is on the minus strand). VCF-style: chr11-2885434-C-T. GRCh37 (hg19) VCF-style: chr11-2906664-C-T.
Other names: c.56G>A, p.Gly19Glu (NM_000076.2, NM_001362474.2); c.23G>A, p.Gly8Glu (NM_001122631.2, NM_001362475.2); short protein forms G19E, G8E.
Identifiers: ClinVar variation 2039867 (VCV002039867.4), dbSNP rs2494391115, ClinGen allele CA379147915.